The following is an entry in ClinVar:

ClinVar aggregate classification (germline): Likely benign. Review status: criteria provided, multiple submitters, no conflicts (2 of 4 stars). 4 submissions from 4 submitters: Likely benign (4). Last evaluated 2025-02-11.

Conditions:
TERT-related disorder. Also called: TERT-related condition; TERT-related disorders.
Idiopathic Pulmonary Fibrosis. Also called: Idiopathic fibrosing alveolitis, chronic form; idiopathic fibrosing alveolitis. Identifiers: Orphanet 2032, MedGen C1800706, MeSH D054990, MONDO:0800504.
Dyskeratosis congenita, autosomal dominant 2. Identifiers: MedGen C3151443, MONDO:0013521, OMIM 613989.
Dyskeratosis congenita. Identifiers: Orphanet 1775, MedGen C0265965, MONDO:0015780.

Allele frequency attached by ClinVar (database versions not stated): gnomAD 0.00001; gnomAD exomes 0.00001 and 0.00003; TOPMed 0.00001; ExAC 0.00004.
gnomAD v4.1: 13 of 1,612,074 alleles (0.00081%); highest among the groups gnomAD compares: South Asian, 0.0033%; no homozygotes.

Submissions (4):

PreventionGenetics, part of Exact Sciences
Classification: Likely benign for TERT-related condition. Last evaluated: 2025-02-11. Review status: criteria provided, single submitter. Criteria: ACMG Guidelines, 2015. Collection method: clinical testing. Allele origin: germline.
Comment: This variant is classified as likely benign based on ACMG/AMP sequence variant interpretation guidelines (Richards et al. 2015 PMID: 25741868, with internal and published modifications).

Labcorp Genetics (formerly Invitae), Labcorp
Classification: Likely benign for Dyskeratosis congenita, autosomal dominant 2; Idiopathic Pulmonary Fibrosis. Last evaluated: 2024-11-24. Review status: criteria provided, single submitter. Criteria: Invitae Variant Classification Sherloc (09022015). Collection method: clinical testing. Allele origin: germline.

CeGaT Center for Human Genetics Tuebingen
Classification: Likely benign. Last evaluated: 2023-06-01. Review status: criteria provided, single submitter. Criteria: CeGaT Center For Human Genetics Tuebingen Variant Classification Criteria Version 2. Collection method: clinical testing. Allele origin: germline. Affected: yes. Observed: 1 variant allele.
Comment: TERT: BP4, BP7

Ambry Genetics
Classification: Likely benign for Dyskeratosis congenita. Last evaluated: 2022-09-13. Review status: criteria provided, single submitter. Criteria: Ambry Variant Classification Scheme 2023. Collection method: clinical testing. Allele origin: germline.

NM_198253.3(TERT):c.2367C>T (p.Ala789=)

Gene: TERT (telomerase reverse transcriptase; minus strand). Cytogenetic location: 5p15.33.
Variant type: single nucleotide variant.
Coding change: c.2367C>T on transcript NM_198253.3 (MANE Select); coding-DNA position 2367, C replaced by T.
Protein change: p.Ala789=; no amino-acid change (alanine 789 retained).
Molecular consequence: synonymous variant.
Genome position (GRCh38, 1-based): chr5:1,272,200, G>A on the plus strand (C>T on the coding strand, the complement: TERT is on the minus strand). VCF-style: chr5-1272200-G-A. GRCh37 (hg19) VCF-style: chr5-1272315-G-A.
Other names: c.2367C>T, p.Ala789= (NM_001193376.3).
Identifiers: ClinVar variation 701847 (VCV000701847.37), dbSNP rs759014638, ClinGen allele CA3184557.
Genomic context (GRCh38, chr5:1,272,200, plus strand): 5'-CACTGCTGGGAGTCCGTGCCCAACCCTGCAGGGCAGTGCCCAGACCTGCTCGATGACGAC[G>A]GCATCCCTCAGCGGGCTGGTCTCCTGCAGGTGAGCCACGAACTGTCGCATGTACGGCTGG-3'
Protein context (NP_937983.2, residues 779-799): HLQETSPLRD[Ala789=]VVIEQSSSLN